The following is an entry in ClinVar:

ClinVar aggregate classification (germline): Conflicting classifications of pathogenicity. Review status: criteria provided, conflicting classifications (1 of 4 stars). 4 submissions from 4 submitters: Likely pathogenic (2); Uncertain significance (2). Last evaluated 2025-12-02.

Conditions:
Autosomal recessive ataxia due to ubiquinone deficiency. Also called: Coenzyme Q10 deficiency, primary, 4; SPINOCEREBELLAR ATAXIA, AUTOSOMAL RECESSIVE 9. Identifiers: Orphanet 139485, MedGen C2677589, MONDO:0012784, OMIM 612016.

Allele frequency attached by ClinVar (database versions not stated): TOPMed 0.00005; 1000 Genomes Project 30x 0.00031; gnomAD 0.00005; ESP Exome Variant Server 0.00008.

Submissions (4):

GeneDx
Classification: Uncertain significance. Last evaluated: 2025-12-02. Review status: criteria provided, single submitter. Criteria: GeneDx Variant Classification Process June 2021. Collection method: clinical testing. Allele origin: germline.
Comment: Not observed at significant frequency in large population cohorts (gnomAD); In silico analysis supports that this missense variant has a deleterious effect on protein structure/function; This variant is associated with the following publications: (PMID: 29915382)

Labcorp Genetics (formerly Invitae), Labcorp
Classification: Likely pathogenic. Last evaluated: 2025-10-09. Review status: criteria provided, single submitter. Criteria: Invitae Variant Classification Sherloc (09022015). Collection method: clinical testing. Allele origin: germline.
Comment: This sequence change replaces arginine, which is basic and polar, with tryptophan, which is neutral and slightly polar, at codon 334 of the COQ8A protein (p.Arg334Trp). This variant is present in population databases (rs373971613, gnomAD 0.01%). This missense change has been observed in individual(s) with clinical features of primary coenzyme Q10 deficiency and/or clinical features of primary coenzyme Q10 deficiency (PMID: 29915382). In at least one individual the data is consistent with being in trans (on the opposite chromosome) from a pathogenic variant. It has also been observed to segregate with disease in related individuals. ClinVar contains an entry for this variant (Variation ID: 434088). Invitae Evidence Modeling of protein sequence and biophysical properties (such as structural, functional, and spatial information, amino acid conservation, physicochemical variation, residue mobility, and thermodynamic stability) has been performed for this missense variant. However, the output from this modeling did not meet the statistical confidence thresholds required to predict the impact of this variant on COQ8A protein function. In summary, the currently available evidence indicates that the variant is pathogenic, but additional data are needed to prove that conclusively. Therefore, this variant has been classified as Likely Pathogenic.

Revvity Omics, Revvity
Classification: Uncertain significance for Autosomal recessive ataxia due to ubiquinone deficiency. Last evaluated: 2023-11-07. Review status: criteria provided, single submitter. Criteria: ACMG Guidelines, 2015. Collection method: clinical testing. Allele origin: germline.

Genetic Services Laboratory, University of Chicago
Classification: Likely pathogenic for Coenzyme Q10 deficiency, primary, 4. Last evaluated: 2017-02-07. Review status: criteria provided, single submitter. Criteria: ACMG Guidelines, 2015. Collection method: clinical testing. Allele origin: germline. Affected: yes.

Literature cited by the submitters: PubMed 29915382 (cited by Labcorp Genetics (formerly Invitae), Labcorp).

NM_020247.5(COQ8A):c.1000C>T (p.Arg334Trp)

Gene: COQ8A (coenzyme Q8A; plus strand). Cytogenetic location: 1q42.13.
Variant type: single nucleotide variant.
Coding change: c.1000C>T on transcript NM_020247.5 (MANE Select); coding-DNA position 1000, C replaced by T.
Protein change: p.Arg334Trp; replaces arginine 334 with tryptophan.
Molecular consequence: missense variant.
Genome position (GRCh38, 1-based): chr1:226,982,954, C>T. VCF-style: chr1-226982954-C-T. GRCh37 (hg19) VCF-style: chr1-227170655-C-T.
Other names: short protein forms R334W.
Identifiers: ClinVar variation 434088 (VCV000434088.14), dbSNP rs373971613, ClinGen allele CA1425259.